The following is an entry in ClinVar:

ClinVar aggregate classification (germline): Benign/Likely benign. Review status: criteria provided, multiple submitters, no conflicts (2 of 4 stars). 3 submissions from 3 submitters: Benign (1); Likely benign (2). Last evaluated 2024-02-26.

Conditions:
Familial adenomatous polyposis 1 (FAP1). Also called: POLYPOSIS, ADENOMATOUS INTESTINAL; FAMILIAL ADENOMATOUS POLYPOSIS 1, ATTENUATED. Identifiers: MedGen C2713442, MONDO:0021056, OMIM 175100. Disease mechanism: loss of function.
Hereditary cancer-predisposing syndrome. Also called: Hereditary Cancer Syndrome; Neoplastic Syndromes, Hereditary; Tumor predisposition; Hereditary neoplastic syndrome. Identifiers: Orphanet 140162, MedGen C0027672, MeSH D009386, MONDO:0015356.

Submissions (3):

Myriad Genetics, Inc.
Classification: Benign for Familial adenomatous polyposis 1. Last evaluated: 2024-02-26. Review status: criteria provided, single submitter. Criteria: Myriad Autosomal Dominant, Autosomal Recessive and X-Linked Classification Criteria (2023). Collection method: clinical testing. Allele origin: unknown.
Comment: This variant is considered benign. This variant is a silent/synonymous amino acid change and it is not expected to impact splicing.

Labcorp Genetics (formerly Invitae), Labcorp
Classification: Likely benign for Familial adenomatous polyposis 1. Last evaluated: 2022-06-24. Review status: criteria provided, single submitter. Criteria: Invitae Variant Classification Sherloc (09022015). Collection method: clinical testing. Allele origin: germline.

Color Diagnostics, LLC DBA Color Health
Classification: Likely benign for Hereditary cancer-predisposing syndrome. Last evaluated: 2017-05-16. Review status: criteria provided, single submitter. Criteria: ACMG Guidelines, 2015. Collection method: clinical testing. Allele origin: germline.

NM_000038.6(APC):c.681C>T (p.Asp227=)

Gene: APC (APC regulator of Wnt signaling pathway; plus strand). Cytogenetic location: 5q22.2.
Variant type: single nucleotide variant.
Coding change: c.681C>T on transcript NM_000038.6 (MANE Select); coding-DNA position 681, C replaced by T.
Protein change: p.Asp227=; no amino-acid change (aspartic acid 227 retained).
Molecular consequence: synonymous variant. On other transcripts: 5 prime UTR variant (1), intron variant (2).
Genome position (GRCh38, 1-based): chr5:112,792,481, C>T. VCF-style: chr5-112792481-C-T. GRCh37 (hg19) VCF-style: chr5-112128178-C-T.
Other names: c.681C>T, p.Asp227= (NM_001127510.3, NM_001354895.2, NM_001354896.2 and 1 more transcripts); c.711C>T, p.Asp237= (NM_001354897.2, NM_001354902.2); c.606C>T, p.Asp202= (NM_001354898.2, NM_001354904.2); c.504C>T, p.Asp168= (NM_001354900.2, NM_001354901.2, NM_001354905.2); c.-355C>T (NM_001354906.2); c.676-8798C>T (NM_001127511.3); c.646-8798C>T (NM_001354899.2).
Identifiers: ClinVar variation 490344 (VCV000490344.16), dbSNP rs1060503359, ClinGen allele CA445755564.